The following is an entry in ClinVar:

NM_016169.4(SUFU):c.447C>G (p.Phe149Leu)

Gene: SUFU (SUFU negative regulator of hedgehog signaling; plus strand). Cytogenetic location: 10q24.32.
Variant type: single nucleotide variant.
Coding change: c.447C>G on transcript NM_016169.4 (MANE Select); coding-DNA position 447, C replaced by G.
Protein change: p.Phe149Leu; replaces phenylalanine 149 with leucine.
Molecular consequence: missense variant.
Genome position (GRCh38, 1-based): chr10:102,550,099, C>G. VCF-style: chr10-102550099-C-G. GRCh37 (hg19) VCF-style: chr10-104309856-C-G.
Other names: c.447C>G, p.Phe149Leu (NM_001178133.2); short protein forms F149L.
Identifiers: ClinVar variation 4177529 (VCV004177529.1).

ClinVar aggregate classification (germline): Uncertain significance (1 of 4 stars; one submission).

Conditions:
Hereditary cancer-predisposing syndrome. Also called: Neoplastic Syndromes, Hereditary; Tumor predisposition; Hereditary Cancer Syndrome; Hereditary neoplastic syndrome. Identifiers: Orphanet 140162, MedGen C0027672, MeSH D009386, MONDO:0015356.

Submission:

Ambry Genetics
Classification: Uncertain significance for Hereditary cancer-predisposing syndrome. Last evaluated: 2025-06-19. Review status: criteria provided, single submitter. Criteria: Ambry Variant Classification Scheme 2023. Collection method: clinical testing. Allele origin: germline.
Comment: The p.F149L variant (also known as c.447C>G), located in coding exon 3 of the SUFU gene, results from a C to G substitution at nucleotide position 447. The phenylalanine at codon 149 is replaced by leucine, an amino acid with highly similar properties. This amino acid position is highly conserved in available vertebrate species. In addition, this alteration is predicted to be deleterious by in silico analysis. Based on the available evidence, the clinical significance of this variant remains unclear.